The following is an entry in ClinVar:

NM_001270508.2(TNFAIP3):c.305A>G (p.Asn102Ser)

Gene: TNFAIP3 (TNF alpha induced protein 3; plus strand). Cytogenetic location: 6q23.3.
Variant type: single nucleotide variant.
Coding change: c.305A>G on transcript NM_001270508.2 (MANE Select); coding-DNA position 305, A replaced by G.
Protein change: p.Asn102Ser; replaces asparagine 102 with serine.
Molecular consequence: missense variant.
Genome position (GRCh38, 1-based): chr6:137,874,854, A>G. VCF-style: chr6-137874854-A-G. GRCh37 (hg19) VCF-style: chr6-138195991-A-G.
Other names: p.Asn102Ser; c.305A>G, p.Asn102Ser (NM_001270507.2, NM_006290.4); short protein forms N102S.
Identifiers: ClinVar variation 135330 (VCV000135330.29), dbSNP rs146534657, ClinGen allele CA162407.
Genomic context (GRCh38, chr6:137,874,854, plus strand): 5'-TACATGCAGATAACTTGACTTTCCTTCTCTTCTCCTCCTTTCTGTCCTCAGGTGACGGCA[A>G]TTGCCTCATGCATGCCACTTCTCAGTACATGTGGGGCGTTCAGGACACAGACTTGGTACT-3'
Protein context (NP_001257437.1, residues 92-112): LVALKTNGDG[Asn102Ser]CLMHATSQYM

ClinVar aggregate classification (germline): Benign/Likely benign. Review status: criteria provided, multiple submitters, no conflicts (2 of 4 stars). 7 submissions from 7 submitters: Benign (4); Likely benign (2). 1 of the submissions does not count toward it. Last evaluated 2026-02-03.

Conditions:
Autoinflammatory syndrome, familial, Behcet-like 1 (AIFBL1). Also called: Haploinsufficiency of A20. Identifiers: Orphanet 674762, MedGen C4225218, MONDO:0800045, OMIM 616744.

Allele frequency attached by ClinVar (database versions not stated): ESP Exome Variant Server 0.00108; gnomAD exomes 0.00427 and 0.01353; gnomAD 0.00558 and 0.00656; TOPMed 0.00850; ExAC 0.01073; 1000 Genomes Project 0.01298; 1000 Genomes Project 30x 0.01374.

Submissions (7):

Labcorp Genetics (formerly Invitae), Labcorp
Classification: Benign. Last evaluated: 2026-02-03. Review status: criteria provided, single submitter. Criteria: Invitae Variant Classification Sherloc (09022015). Collection method: clinical testing. Allele origin: germline.

Women's Health and Genetics/Laboratory Corporation of America, LabCorp
Classification: Likely benign. Last evaluated: 2026-01-22. Review status: criteria provided, single submitter. Criteria: LabCorp Variant Classification Summary - May 2015. Collection method: clinical testing. Allele origin: germline.

ARUP Laboratories, Molecular Genetics and Genomics, ARUP Laboratories
Classification: Benign for Autoinflammatory syndrome, familial, Behcet-like 1. Last evaluated: 2025-06-19. Review status: criteria provided, single submitter. Criteria: ARUP Molecular Germline Variant Investigation Process 2024. Collection method: clinical testing. Allele origin: germline.

Blueprint Genetics
Classification: Likely benign. Last evaluated: 2024-11-18. Review status: criteria provided, single submitter. Criteria: ACMG Guidelines, 2015. Collection method: clinical testing. Allele origin: germline.

Mayo Clinic Laboratories, Mayo Clinic
Classification: Benign. Last evaluated: 2020-10-20. Review status: criteria provided, single submitter. Criteria: ACMG Guidelines, 2015. Collection method: clinical testing. Allele origin: germline. Observed: 17 variant alleles.

GeneDx
Classification: Benign. Last evaluated: 2019-10-17. Review status: criteria provided, single submitter. Criteria: GeneDx Variant Classification Process June 2021. Collection method: clinical testing. Allele origin: germline. Affected: yes.
Comment: This variant is associated with the following publications: (PMID: 32719680, 31131138)

ITMI
No classification provided. Condition: AllHighlyPenetrant. Last evaluated: 2013-09-19. Review status: no classification provided. Collection method: reference population. Allele origin: germline. Not counted in ClinVar's aggregate classification.
Comment: Please see associated publication for description of ethnicities

Literature cited by the submitters: PubMed 24728327 (cited by ITMI).